The following is an entry in ClinVar:

NM_001005361.3(DNM2):c.34C>G (p.Leu12Val)

Genes: DNM2 (dynamin 2; plus strand), LOC130063529 (ATAC-STARR-seq lymphoblastoid silent region 10090; plus strand). Cytogenetic location: 19p13.2.
Variant type: single nucleotide variant.
Coding change: c.34C>G on transcript NM_001005361.3 (MANE Select); coding-DNA position 34, C replaced by G.
Protein change: p.Leu12Val; replaces leucine 12 with valine.
Molecular consequence: missense variant.
Genome position (GRCh38, 1-based): chr19:10,718,276, C>G. VCF-style: chr19-10718276-C-G. GRCh37 (hg19) VCF-style: chr19-10828952-C-G.
Other names: c.34C>G, p.Leu12Val (NM_001005360.3, NM_001005362.3, NM_001190716.2 and 1 more transcripts); short protein forms L12V.
Identifiers: ClinVar variation 1732046 (VCV001732046.2), dbSNP rs2068818839, ClinGen allele CA404046454.

ClinVar aggregate classification (germline): Uncertain significance (1 of 4 stars; one submission).

Conditions:
Inborn genetic diseases. Identifiers: MedGen C0950123, MeSH D030342.

Submission:

Ambry Genetics
Classification: Uncertain significance for Inborn genetic diseases. Last evaluated: 2019-09-13. Review status: criteria provided, single submitter. Criteria: Ambry Variant Classification Scheme 2023. Collection method: clinical testing. Allele origin: germline.
Comment: The p.L12V variant (also known as c.34C>G), located in coding exon 1 of the DNM2 gene, results from a C to G substitution at nucleotide position 34. The leucine at codon 12 is replaced by valine, an amino acid with highly similar properties. This amino acid position is highly conserved in available vertebrate species. In addition, the in silico prediction for this alteration is inconclusive. Since supporting evidence is limited at this time, the clinical significance of this alteration remains unclear.